The following is an entry in ClinVar:

ClinVar aggregate classification (germline): Uncertain significance (1 of 4 stars; one submission).

Allele frequency attached by ClinVar (database versions not stated): ExAC 0.00002; gnomAD exomes 0.00001.
gnomAD v4.1: 7 of 1,612,578 alleles (0.00043%); highest among the groups gnomAD compares: East Asian, 0.0067%; no homozygotes.

Submission:

Labcorp Genetics (formerly Invitae), Labcorp
Classification: Uncertain significance. Last evaluated: 2025-09-08. Review status: criteria provided, single submitter. Criteria: Invitae Variant Classification Sherloc (09022015). Collection method: clinical testing. Allele origin: germline.
Comment: This sequence change affects codon 273 of the CAMK2B mRNA. It is a 'silent' change, meaning that it does not change the encoded amino acid sequence of the CAMK2B protein. It affects a nucleotide within the consensus splice site. This variant is present in population databases (rs774396408, gnomAD 0.003%). This variant has not been reported in the literature in individuals affected with CAMK2B-related conditions. ClinVar contains an entry for this variant (Variation ID: 1963015). Algorithms developed to predict the effect of sequence changes on RNA splicing suggest that this variant may create or strengthen a splice site. In summary, the available evidence is currently insufficient to determine the role of this variant in disease. Therefore, it has been classified as a Variant of Uncertain Significance.

NM_001220.5(CAMK2B):c.819C>T (p.Cys273=)

Gene: CAMK2B (calcium/calmodulin dependent protein kinase II beta; minus strand). Cytogenetic location: 7p13.
Variant type: single nucleotide variant.
Coding change: c.819C>T on transcript NM_001220.5 (MANE Select); coding-DNA position 819, C replaced by T.
Protein change: p.Cys273=; no amino-acid change (cysteine 273 retained).
Molecular consequence: synonymous variant.
Genome position (GRCh38, 1-based): chr7:44,242,218, G>A on the plus strand (C>T on the coding strand, the complement: CAMK2B is on the minus strand). VCF-style: chr7-44242218-G-A. GRCh37 (hg19) VCF-style: chr7-44281817-G-A.
Other names: c.819C>T, p.Cys273= (NM_001293170.2, NM_172078.3, NM_172079.3 and 5 more transcripts).
Identifiers: ClinVar variation 1963015 (VCV001963015.5), dbSNP rs774396408, ClinGen allele CA4240592.